The following is an entry in ClinVar:

ClinVar aggregate classification (germline): Likely benign. Review status: criteria provided, multiple submitters, no conflicts (2 of 4 stars). 7 submissions from 5 submitters: Likely benign (7). Last evaluated 2024-10-01.

Conditions:
Cardiomyopathy (CMYO). Also called: Cardiomyopathies. Identifiers: Orphanet 167848, MedGen C0878544, MONDO:0004994, HP:0001638. Inheritance: Various modes of inheritance.
Cardiomyopathy, familial restrictive, 3. Identifiers: Orphanet 75249, MedGen C2676271, MONDO:0012900, OMIM 612422.
Hypertrophic cardiomyopathy 2. Also called: TNNT2-Related Familial Hypertrophic Cardiomyopathy. Identifiers: MedGen C1861864, MONDO:0007266, OMIM 115195.
Dilated cardiomyopathy 1D. Identifiers: Orphanet 154, Orphanet 54260, MedGen C1832243, MONDO:0011095, OMIM 601494.

Allele frequency attached by ClinVar (database versions not stated): TOPMed 0.00005; gnomAD 0.00006; gnomAD exomes 0.00008 and 0.00013; ExAC 0.00016.
gnomAD v4.1: 122 of 1,614,084 alleles (0.0076%); highest among the groups gnomAD compares: Middle Eastern, 0.049%; no homozygotes.

Submissions (7):

CeGaT Center for Human Genetics Tuebingen
Classification: Likely benign. Last evaluated: 2024-10-01. Review status: criteria provided, single submitter. Criteria: CeGaT Center For Human Genetics Tuebingen Variant Classification Criteria Version 2. Collection method: clinical testing. Allele origin: germline. Affected: yes. Observed: 5 variant alleles.
Comment: TNNT2: BP4, BP7

Blueprint Genetics
Classification: Likely benign. Last evaluated: 2024-03-26. Review status: criteria provided, single submitter. Criteria: ACMG Guidelines, 2015. Collection method: clinical testing. Allele origin: germline.

Genome-Nilou Lab
Classification: Likely benign for Dilated cardiomyopathy 1D. Last evaluated: 2023-11-04. Review status: criteria provided, single submitter. Criteria: ACMG Guidelines, 2015. Collection method: clinical testing. Allele origin: germline. Affected: no.

Genome-Nilou Lab
Classification: Likely benign for Cardiomyopathy, familial restrictive, 3. Last evaluated: 2023-11-04. Review status: criteria provided, single submitter. Criteria: ACMG Guidelines, 2015. Collection method: clinical testing. Allele origin: germline. Affected: no.

Genome-Nilou Lab
Classification: Likely benign for Hypertrophic cardiomyopathy 2. Last evaluated: 2023-11-04. Review status: criteria provided, single submitter. Criteria: ACMG Guidelines, 2015. Collection method: clinical testing. Allele origin: germline. Affected: no.

Color Diagnostics, LLC DBA Color Health
Classification: Likely benign for Cardiomyopathy. Last evaluated: 2018-10-16. Review status: criteria provided, single submitter. Criteria: ACMG Guidelines, 2015. Collection method: clinical testing. Allele origin: germline.

Laboratory for Molecular Medicine, Mass General Brigham Personalized Medicine
Classification: Likely benign. Last evaluated: 2015-07-23. Review status: criteria provided, single submitter. Criteria: LMM Criteria. Collection method: clinical testing. Allele origin: germline. Observed: 2 variant alleles.
Comment: p.Asp30Asp in exon 4A of TNNT2: This variant is not expected to have clinical si gnificance because it does not alter an amino acid residue and is not located wi thin the splice consensus sequence. It has been identified in 18/66732 European chromosomes by the Exome Aggregation Consortium (ExAC; dbSNP rs727503515).

NM_001276345.2(TNNT2):c.90C>T (p.Asp30=)

Gene: TNNT2 (troponin T2, cardiac type; minus strand). Cytogenetic location: 1q32.1.
Variant type: single nucleotide variant.
Coding change: c.90C>T on transcript NM_001276345.2 (MANE Select); coding-DNA position 90, C replaced by T.
Protein change: p.Asp30=; no amino-acid change (aspartic acid 30 retained).
Molecular consequence: synonymous variant. On other transcripts: intron variant (4).
Genome position (GRCh38, 1-based): chr1:201,369,823, G>A on the plus strand (C>T on the coding strand, the complement: TNNT2 is on the minus strand). VCF-style: chr1-201369823-G-A. GRCh37 (hg19) VCF-style: chr1-201338951-G-A.
Other names: c.90C>T, p.Asp30= (NM_000364.4, NM_001276346.2); c.53-1596C>T (NM_001001432.3); c.68-1596C>T (NM_001001431.3, NM_001001430.3, NM_001276347.2).
Identifiers: ClinVar variation 165556 (VCV000165556.49), dbSNP rs727503515, ClinGen allele CA005328.